The following is an entry in ClinVar:

ClinVar aggregate classification (germline): Likely benign. Review status: criteria provided, multiple submitters, no conflicts (2 of 4 stars). 2 submissions from 2 submitters: Likely benign (2). Last evaluated 2024-07-01.

Submissions (2):

CeGaT Center for Human Genetics Tuebingen
Classification: Likely benign. Last evaluated: 2024-07-01. Review status: criteria provided, single submitter. Criteria: CeGaT Center For Human Genetics Tuebingen Variant Classification Criteria Version 2. Collection method: clinical testing. Allele origin: germline. Affected: yes. Observed: 3 variant alleles.
Comment: CACNB2: BS2

Genomic Diagnostic Laboratory, Division of Genomic Diagnostics, Children's Hospital of Philadelphia
Classification: Likely benign. Last evaluated: 2015-07-10. Review status: criteria provided, single submitter. Criteria: DGD Variant Analysis Guidelines. Collection method: clinical testing. Allele origin: unknown.

NM_201596.3(CACNB2):c.121-3_121-2insTTTTTGT

Gene: CACNB2 (calcium voltage-gated channel auxiliary subunit beta 2; plus strand). Cytogenetic location: 10p12.33.
Variant type: Insertion.
Coding change: c.121-3_121-2insTTTTTGT on transcript NM_201596.3 (MANE Select); 3 bases into the intron before coding-DNA position 121 through the canonical splice acceptor site of the intron before coding-DNA position 121, TTTTTGT inserted.
Molecular consequence: intron variant.
Genome position: GRCh38 VCF-style: chr10-18150879-T-TTTTTTTG. GRCh37 (hg19) VCF-style: chr10-18439808-T-TTTTTTTG.
Other names: c.37-3_37-2insTTTTTGT (NM_201571.4, NM_001167945.2, NM_201572.4); c.121-3_121-2insTTTTTGT (NM_201593.3, NM_201597.3).
Identifiers: ClinVar variation 218872 (VCV000218872.25), dbSNP rs769211879, ClinGen allele CA249030.